The following is an entry in ClinVar:

ClinVar aggregate classification (germline): Conflicting classifications of pathogenicity. Review status: criteria provided, conflicting classifications (1 of 4 stars). 2 submissions from 2 submitters: Uncertain significance (1); Likely benign (1). Last evaluated 2025-10-13.

Allele frequency attached by ClinVar (database versions not stated): TOPMed 0.00002.
gnomAD v4.1: 7 of 1,614,224 alleles (0.00043%); highest among the groups gnomAD compares: Admixed American, 0.0083%; no homozygotes.

Submissions (2):

Labcorp Genetics (formerly Invitae), Labcorp
Classification: Likely benign. Last evaluated: 2025-10-13. Review status: criteria provided, single submitter. Criteria: Invitae Variant Classification Sherloc (09022015). Collection method: clinical testing. Allele origin: germline.

Women's Health and Genetics/Laboratory Corporation of America, LabCorp
Classification: Uncertain significance. Last evaluated: 2025-03-17. Review status: criteria provided, single submitter. Criteria: LabCorp Variant Classification Summary - May 2015. Collection method: clinical testing. Allele origin: germline.
Comment: Variant summary: SON c.4255G>C (p.Val1419Leu) results in a conservative amino acid change in the encoded protein sequence. Five of five in-silico tools predict a benign effect of the variant on protein function. The variant allele was found at a frequency of 2e-05 in 251488 control chromosomes. The available data on variant occurrences in the general population are insufficient to allow any conclusion about variant significance. To our knowledge, no occurrence of c.4255G>C in individuals affected with ZTTK Syndrome and no experimental evidence demonstrating its impact on protein function have been reported. ClinVar contains an entry for this variant (Variation ID: 1913503). Based on the evidence outlined above, the variant was classified as uncertain significance.

NM_138927.4(SON):c.4255G>C (p.Val1419Leu)

Gene: SON (SON DNA and RNA binding protein; plus strand). Cytogenetic location: 21q22.11.
Variant type: single nucleotide variant.
Coding change: c.4255G>C on transcript NM_138927.4 (MANE Select); coding-DNA position 4255, G replaced by C.
Protein change: p.Val1419Leu; replaces valine 1419 with leucine.
Molecular consequence: missense variant. On other transcripts: non-coding transcript variant (1), intron variant (1).
Genome position (GRCh38, 1-based): chr21:33,553,486, G>C. VCF-style: chr21-33553486-G-C. GRCh37 (hg19) VCF-style: chr21-34925792-G-C.
Other names: c.4255G>C, p.Val1419Leu (NM_001291411.2, NM_001412133.1, NM_032195.3 and 2 more transcripts); c.245-3670G>C (NM_001291412.3); short protein forms V1419L.
Identifiers: ClinVar variation 1913503 (VCV001913503.6), dbSNP rs745396554, ClinGen allele CA10009493.
Genomic context (GRCh38, chr21:33,553,486, plus strand): 5'-GAGCCAGACTATGTTACCATTCCTGTGCCAGTTGTTTCTGCGCTGGAGCCTTCTGTGCCT[G>C]TTCTGGAACCAGCGGTGTCAGTCCTTCAACCTTCTATGATTGTTTCAGAACCATCTGTTT-3'
Protein context (NP_620305.3, residues 1409-1429): VVSALEPSVP[Val1419Leu]LEPAVSVLQP